The following is an entry in ClinVar:

NM_001040142.2(SCN2A):c.5017A>T (p.Ile1673Phe)

Gene: SCN2A (sodium voltage-gated channel alpha subunit 2; plus strand). Cytogenetic location: 2q24.3.
Variant type: single nucleotide variant.
Coding change: c.5017A>T on transcript NM_001040142.2 (MANE Select); coding-DNA position 5017, A replaced by T.
Protein change: p.Ile1673Phe; replaces isoleucine 1673 with phenylalanine.
Molecular consequence: missense variant.
Genome position (GRCh38, 1-based): chr2:165,388,823, A>T. VCF-style: chr2-165388823-A-T. GRCh37 (hg19) VCF-style: chr2-166245333-A-T.
Other names: c.5017A>T, p.Ile1673Phe (NM_001040143.2, NM_001371246.1, NM_001371247.1 and 1 more transcripts); short protein forms I1673F.
Identifiers: ClinVar variation 2921995 (VCV002921995.3), dbSNP rs2468158024, ClinGen allele CA349038003.

ClinVar aggregate classification (germline): Likely pathogenic (1 of 4 stars; one submission).

Conditions:
Developmental and epileptic encephalopathy, 11 (DEE11). Also called: Early infantile epileptic encephalopathy 11. Identifiers: Orphanet 1934, MedGen C3150987, MONDO:0013388, OMIM 613721.
Seizures, benign familial infantile, 3 (BFIS3). Also called: Familial neonatal seizures; CONVULSIONS, BENIGN FAMILIAL INFANTILE, 3. Identifiers: Orphanet 140927, Orphanet 306, MedGen C1843140, MONDO:0011904, OMIM 607745.

Submission:

Labcorp Genetics (formerly Invitae), Labcorp
Classification: Likely pathogenic for Seizures, benign familial infantile, 3; Developmental and epileptic encephalopathy, 11. Last evaluated: 2024-01-06. Review status: criteria provided, single submitter. Criteria: Invitae Variant Classification Sherloc (09022015). Collection method: clinical testing. Allele origin: germline.
Comment: This sequence change replaces isoleucine, which is neutral and non-polar, with phenylalanine, which is neutral and non-polar, at codon 1673 of the SCN2A protein (p.Ile1673Phe). This variant is not present in population databases (gnomAD no frequency). This variant has not been reported in the literature in individuals affected with SCN2A-related conditions. Advanced modeling of protein sequence and biophysical properties (such as structural, functional, and spatial information, amino acid conservation, physicochemical variation, residue mobility, and thermodynamic stability) performed at Invitae indicates that this missense variant is expected to disrupt SCN2A protein function with a positive predictive value of 95%. This variant disrupts the p.Ile1673 amino acid residue in SCN2A. Other variant(s) that disrupt this residue have been determined to be pathogenic (PMID: 35701389). This suggests that this residue is clinically significant, and that variants that disrupt this residue are likely to be disease-causing. In summary, the currently available evidence indicates that the variant is pathogenic, but additional data are needed to prove that conclusively. Therefore, this variant has been classified as Likely Pathogenic.

Literature cited by the submitters: PubMed 35701389.